The following is an entry in ClinVar:

NM_014915.3(ANKRD26):c.3556A>G (p.Ser1186Gly)

Gene: ANKRD26 (ankyrin repeat domain 26; minus strand). Cytogenetic location: 10p12.1.
Variant type: single nucleotide variant.
Coding change: c.3556A>G on transcript NM_014915.3 (MANE Select); coding-DNA position 3556, A replaced by G.
Protein change: p.Ser1186Gly; replaces serine 1186 with glycine.
Molecular consequence: missense variant.
Genome position (GRCh38, 1-based): chr10:27,034,894, T>C on the plus strand (A>G on the coding strand, the complement: ANKRD26 is on the minus strand). VCF-style: chr10-27034894-T-C. GRCh37 (hg19) VCF-style: chr10-27323823-T-C.
Other names: c.3553A>G, p.Ser1185Gly (NM_001256053.2); short protein forms S1185G, S1186G.
Identifiers: ClinVar variation 3396485 (VCV003396485.3).

ClinVar aggregate classification (germline): Conflicting classifications of pathogenicity. Review status: criteria provided, conflicting classifications (1 of 4 stars). 2 submissions from 2 submitters: Uncertain significance (1); Likely benign (1). Last evaluated 2024-11-18.

Conditions:
Inborn genetic diseases. Identifiers: MedGen C0950123, MeSH D030342.

gnomAD v4.1: 3 of 1,613,844 alleles (0.00019%); highest among the groups gnomAD compares: Non-Finnish European, 0.00025%; no homozygotes.

Submissions (2):

Ambry Genetics
Classification: Likely benign for Inborn genetic diseases. Last evaluated: 2024-11-18. Review status: criteria provided, single submitter. Criteria: Ambry Variant Classification Scheme 2023. Collection method: clinical testing. Allele origin: germline.

Labcorp Genetics (formerly Invitae), Labcorp
Classification: Uncertain significance. Last evaluated: 2024-09-29. Review status: criteria provided, single submitter. Criteria: Invitae Variant Classification Sherloc (09022015). Collection method: clinical testing. Allele origin: germline.
Comment: This sequence change replaces serine, which is neutral and polar, with glycine, which is neutral and non-polar, at codon 1186 of the ANKRD26 protein (p.Ser1186Gly). This variant is not present in population databases (gnomAD no frequency). This variant has not been reported in the literature in individuals affected with ANKRD26-related conditions. An algorithm developed to predict the effect of missense changes on protein structure and function outputs the following: PolyPhen-2: "Benign". The glycine amino acid residue is found in multiple mammalian species, which suggests that this missense change does not adversely affect protein function. In summary, the available evidence is currently insufficient to determine the role of this variant in disease. Therefore, it has been classified as a Variant of Uncertain Significance.